The following is an entry in ClinVar:

ClinVar aggregate classification (germline): Uncertain significance (1 of 4 stars; one submission).

Conditions:
Developmental and epileptic encephalopathy, 12 (DEE12). Identifiers: MedGen C3150988, MONDO:0013389, OMIM 613722.

Submission:

Labcorp Genetics (formerly Invitae), Labcorp
Classification: Uncertain significance for Developmental and epileptic encephalopathy, 12. Last evaluated: 2024-05-18. Review status: criteria provided, single submitter. Criteria: Invitae Variant Classification Sherloc (09022015). Collection method: clinical testing. Allele origin: germline.
Comment: This sequence change replaces alanine, which is neutral and non-polar, with threonine, which is neutral and polar, at codon 389 of the PNKP protein (p.Ala389Thr). This variant is not present in population databases (gnomAD no frequency). This variant has not been reported in the literature in individuals affected with PNKP-related conditions. ClinVar contains an entry for this variant (Variation ID: 581906). Advanced modeling of protein sequence and biophysical properties (such as structural, functional, and spatial information, amino acid conservation, physicochemical variation, residue mobility, and thermodynamic stability) performed at Invitae indicates that this missense variant is not expected to disrupt PNKP protein function with a negative predictive value of 80%. In summary, the available evidence is currently insufficient to determine the role of this variant in disease. Therefore, it has been classified as a Variant of Uncertain Significance.

NM_007254.4(PNKP):c.1165G>A (p.Ala389Thr)

Gene: PNKP (polynucleotide kinase 3'-phosphatase; minus strand). Cytogenetic location: 19q13.33.
Variant type: single nucleotide variant.
Coding change: c.1165G>A on transcript NM_007254.4 (MANE Select); coding-DNA position 1165, G replaced by A.
Protein change: p.Ala389Thr; replaces alanine 389 with threonine.
Molecular consequence: missense variant.
Genome position (GRCh38, 1-based): chr19:49,862,067, C>T on the plus strand (G>A on the coding strand, the complement: PNKP is on the minus strand). VCF-style: chr19-49862067-C-T. GRCh37 (hg19) VCF-style: chr19-50365324-C-T.
Other names: short protein forms A389T.
Identifiers: ClinVar variation 581906 (VCV000581906.8), dbSNP rs575803996, ClinGen allele CA406878834.